The following is an entry in ClinVar:

NM_000065.5(C6):c.2197C>T (p.Pro733Ser)

Gene: C6 (complement C6; minus strand). Cytogenetic location: 5p13.1.
Variant type: single nucleotide variant.
Coding change: c.2197C>T on transcript NM_000065.5 (MANE Select); coding-DNA position 2197, C replaced by T.
Protein change: p.Pro733Ser; replaces proline 733 with serine.
Molecular consequence: missense variant.
Genome position (GRCh38, 1-based): chr5:41,153,903, G>A on the plus strand (C>T on the coding strand, the complement: C6 is on the minus strand). VCF-style: chr5-41153903-G-A. GRCh37 (hg19) VCF-style: chr5-41154005-G-A.
Other names: c.2197C>T (NM_000065.2); c.2197C>T, p.Pro733Ser (NM_001115131.4); short protein forms P733S.
Identifiers: ClinVar variation 1404712 (VCV001404712.6), dbSNP rs751233094, ClinGen allele CA3252186.
Genomic context (GRCh38, chr5:41,153,903, plus strand): 5'-GTGTCCAGGAATTCCCCTGGCATGTGTACCTTGATGGCCCAGCAACAACAAAGCCTTTGG[G>A]GCAAGTTAGCTCAATGGATTCACCAATTCTATACAATCTCTGAAATGGTGTAATTGTCAG-3'
Protein context (NP_000056.2, residues 723-743): RIGESIELTC[Pro733Ser]KGFVVAGPSR

ClinVar aggregate classification (germline): Uncertain significance. Review status: criteria provided, multiple submitters, no conflicts (2 of 4 stars). 2 submissions from 2 submitters: Uncertain significance (2). Last evaluated 2025-08-30.

Conditions:
Inborn genetic diseases. Identifiers: MedGen C0950123, MeSH D030342.

Allele frequency attached by ClinVar (database versions not stated): TOPMed 0.00002; ExAC 0.00003; gnomAD 0.00003 and 0.00004; gnomAD exomes 0.00004 and 0.00005.
gnomAD v4.1: 84 of 1,613,536 alleles (0.0052%); highest among the groups gnomAD compares: Middle Eastern, 0.016%; 2 homozygotes.

Submissions (2):

Ambry Genetics
Classification: Uncertain significance for Inborn genetic diseases. Last evaluated: 2025-08-30. Review status: criteria provided, single submitter. Criteria: Ambry Variant Classification Scheme 2023. Collection method: clinical testing. Allele origin: germline.

Labcorp Genetics (formerly Invitae), Labcorp
Classification: Uncertain significance. Last evaluated: 2022-08-08. Review status: criteria provided, single submitter. Criteria: Invitae Variant Classification Sherloc (09022015). Collection method: clinical testing. Allele origin: germline.
Comment: This sequence change replaces proline, which is neutral and non-polar, with serine, which is neutral and polar, at codon 733 of the C6 protein (p.Pro733Ser). This variant is present in population databases (rs751233094, gnomAD 0.006%). This variant has not been reported in the literature in individuals affected with C6-related conditions. ClinVar contains an entry for this variant (Variation ID: 1404712). Algorithms developed to predict the effect of missense changes on protein structure and function are either unavailable or do not agree on the potential impact of this missense change (SIFT: "Tolerated"; PolyPhen-2: "Possibly Damaging"; Align-GVGD: "Class C0"). In summary, the available evidence is currently insufficient to determine the role of this variant in disease. Therefore, it has been classified as a Variant of Uncertain Significance.